The following is an entry in ClinVar:

ClinVar aggregate classification (germline): Uncertain significance (1 of 4 stars; one submission).

Conditions:
BDNF-related disorder. Also called: BDNF-related condition.

Submission:

PreventionGenetics, part of Exact Sciences
Classification: Uncertain significance for BDNF-related condition. Last evaluated: 2026-07-29. Review status: criteria provided, single submitter. Criteria: ACMG Guidelines, 2015. Collection method: clinical testing. Allele origin: germline.
Comment: The BDNF c.242G>A variant is predicted to result in the amino acid substitution p.Arg81Lys. To our knowledge, this variant has not been reported in the literature or in a large population database (gnomAD), indicating this variant is rare. At this time, the clinical significance of this variant is uncertain due to the absence of conclusive functional and genetic evidence.

NM_001709.5(BDNF):c.-5G>A

Genes: BDNF (brain derived neurotrophic factor; minus strand), BDNF-AS (BDNF antisense RNA; plus strand). Cytogenetic location: 11p14.1.
Variant type: single nucleotide variant.
Coding change: c.-5G>A on transcript NM_001709.5 (MANE Select); 5 bases upstream of the start codon, G replaced by A.
Molecular consequence: 5 prime UTR variant. On other transcripts: missense variant (4).
Genome position (GRCh38, 1-based): chr11:27,658,569, C>T on the plus strand (G>A on the coding strand, the complement: BDNF is on the minus strand). VCF-style: chr11-27658569-C-T. GRCh37 (hg19) VCF-style: chr11-27680116-C-T.
Other names: c.-5G>A (NM_001143805.1, NM_001143806.1, NM_001143807.2 and 9 more transcripts); c.83G>A, p.Arg28Lys (NM_001143809.2); c.242G>A, p.Arg81Lys (NM_001143810.2); c.20G>A, p.Arg7Lys (NM_170731.5); c.41G>A, p.Arg14Lys (NM_170734.4); short protein forms R28K, R14K, R7K, R81K.
Identifiers: ClinVar variation 4977202 (VCV004977202.1).